The following is an entry in ClinVar:

ClinVar aggregate classification (germline): Uncertain significance. Review status: criteria provided, multiple submitters, no conflicts (2 of 4 stars). 2 submissions from 2 submitters: Uncertain significance (2). Last evaluated 2024-07-26.

Conditions:
Inborn genetic diseases. Identifiers: MedGen C0950123, MeSH D030342.
MOGS-congenital disorder of glycosylation. Also called: MOGS-CDG; CDG IIb; GLUCOSIDASE I DEFICIENCY; CDG 2B. Identifiers: Orphanet 79330, MedGen C1853736, MONDO:0011629, OMIM 606056.

Allele frequency attached by ClinVar (database versions not stated): TOPMed below 0.00001; gnomAD 0.00001; gnomAD exomes 0.00003 and 0.00005; ExAC 0.00007; 1000 Genomes Project 30x 0.00016; 1000 Genomes Project 0.00020.

Submissions (2):

Ambry Genetics
Classification: Uncertain significance for Inborn genetic diseases. Last evaluated: 2024-07-26. Review status: criteria provided, single submitter. Criteria: Ambry Variant Classification Scheme 2023. Collection method: clinical testing. Allele origin: germline.

Labcorp Genetics (formerly Invitae), Labcorp
Classification: Uncertain significance for MOGS-congenital disorder of glycosylation. Last evaluated: 2021-10-28. Review status: criteria provided, single submitter. Criteria: Invitae Variant Classification Sherloc (09022015). Collection method: clinical testing. Allele origin: germline.
Comment: In summary, the available evidence is currently insufficient to determine the role of this variant in disease. Therefore, it has been classified as a Variant of Uncertain Significance. Algorithms developed to predict the effect of missense changes on protein structure and function (SIFT, PolyPhen-2, Align-GVGD) all suggest that this variant is likely to be disruptive. This variant has not been reported in the literature in individuals affected with MOGS-related conditions. This variant is present in population databases (rs554882882, gnomAD 0.04%). This sequence change replaces arginine, which is basic and polar, with cysteine, which is neutral and slightly polar, at codon 797 of the MOGS protein (p.Arg797Cys).

NM_006302.3(MOGS):c.2389C>T (p.Arg797Cys)

Gene: MOGS (mannosyl-oligosaccharide glucosidase; minus strand). Cytogenetic location: 2p13.1.
Variant type: single nucleotide variant.
Coding change: c.2389C>T on transcript NM_006302.3 (MANE Select); coding-DNA position 2389, C replaced by T.
Protein change: p.Arg797Cys; replaces arginine 797 with cysteine.
Molecular consequence: missense variant.
Genome position (GRCh38, 1-based): chr2:74,461,400, G>A on the plus strand (C>T on the coding strand, the complement: MOGS is on the minus strand). VCF-style: chr2-74461400-G-A. GRCh37 (hg19) VCF-style: chr2-74688527-G-A.
Other names: c.2389C>T (NM_006302.2); c.2071C>T, p.Arg691Cys (NM_001146158.2); short protein forms R797C, R691C.
Identifiers: ClinVar variation 1522887 (VCV001522887.5), dbSNP rs554882882, ClinGen allele CA1724590.